The following is an entry in ClinVar:

ClinVar aggregate classification (germline): Likely benign. Review status: criteria provided, multiple submitters, no conflicts (2 of 4 stars). 2 submissions from 2 submitters: Likely benign (2). Last evaluated 2025-10-23.

Conditions:
Autosomal recessive limb-girdle muscular dystrophy type 2Q (LGMDR17). Also called: MUSCULAR DYSTROPHY, LIMB-GIRDLE, AUTOSOMAL RECESSIVE 17. Identifiers: Orphanet 254361, MedGen C3150989, MONDO:0013390, OMIM 613723.
Epidermolysis bullosa simplex 5C, with pyloric atresia (EBS5C). Also called: Epidermolysis bullosa simplex with pyloric atresia; PLEC-Related Epidermolysis Bullosa with Pyloric Atresia; PLEC1-Related Epidermolysis Bullosa with Pyloric Atresia. Identifiers: Orphanet 158684, MedGen C2677349, MONDO:0012807, OMIM 612138.
Epidermolysis bullosa simplex 5B, with muscular dystrophy (EBS5B). Also called: EPIDERMOLYSIS BULLOSA SIMPLEX AND LIMB-GIRDLE MUSCULAR DYSTROPHY; Epidermolysis bullosa simplex with muscular dystrophy. Identifiers: Orphanet 257, MedGen C2931072, MONDO:0009181, OMIM 226670.
Epidermolysis bullosa simplex with nail dystrophy (EBS5D). Identifiers: MedGen C4225309, MONDO:0014661, OMIM 616487.
Epidermolysis bullosa simplex, Ogna type (EBS5A). Also called: Pidermolysis bullosa simplex 5A, Ogna type; EPIDERMOLYSIS BULLOSA SIMPLEX 5A, OGNA TYPE. Identifiers: Orphanet 79401, MedGen C0432317, MONDO:0007555, OMIM 131950.

Allele frequency attached by ClinVar (database versions not stated): gnomAD 0.00010; gnomAD exomes 0.00012; ExAC 0.00014; TOPMed 0.00014; ESP Exome Variant Server 0.00025.

Submissions (2):

Labcorp Genetics (formerly Invitae), Labcorp
Classification: Likely benign for Autosomal recessive limb-girdle muscular dystrophy type 2Q; Epidermolysis bullosa simplex, Ogna type; Epidermolysis bullosa simplex with nail dystrophy; Epidermolysis bullosa simplex 5C, with pyloric atresia; Epidermolysis bullosa simplex 5B, with muscular dystrophy. Last evaluated: 2025-10-23. Review status: criteria provided, single submitter. Criteria: Invitae Variant Classification Sherloc (09022015). Collection method: clinical testing. Allele origin: germline.

GeneDx
Classification: Likely benign. Last evaluated: 2017-03-21. Review status: criteria provided, single submitter. Criteria: GeneDx Variant Classification (06012015). Collection method: clinical testing. Allele origin: germline. Affected: yes.
Comment: This variant is considered likely benign or benign based on one or more of the following criteria: it is a conservative change, it occurs at a poorly conserved position in the protein, it is predicted to be benign by multiple in silico algorithms, and/or has population frequency not consistent with disease.

NM_201384.3(PLEC):c.11094C>T (p.Pro3698=)

Gene: PLEC (plectin; minus strand). Cytogenetic location: 8q24.3.
Variant type: single nucleotide variant.
Coding change: c.11094C>T on transcript NM_201384.3 (MANE Select); coding-DNA position 11094, C replaced by T.
Protein change: p.Pro3698=; no amino-acid change (proline 3698 retained).
Molecular consequence: synonymous variant.
Genome position (GRCh38, 1-based): chr8:143,918,727, G>A on the plus strand (C>T on the coding strand, the complement: PLEC is on the minus strand). VCF-style: chr8-143918727-G-A. GRCh37 (hg19) VCF-style: chr8-144992895-G-A.
Other names: c.11175C>T, p.Pro3725= (NM_000445.5); c.11052C>T, p.Pro3684= (NM_201378.4); c.11028C>T, p.Pro3676= (NM_201379.3); c.11505C>T, p.Pro3835= (NM_201380.4); c.10998C>T, p.Pro3666= (NM_201381.3); c.11094C>T, p.Pro3698= (NM_201382.4); c.11106C>T, p.Pro3702= (NM_201383.3).
Identifiers: ClinVar variation 508193 (VCV000508193.10), dbSNP rs374177544, ClinGen allele CA4924435.
Genomic context (GRCh38, chr8:143,918,727, plus strand): 5'-CTCGGCACTCAGCAGCCCTTTCTTGAGAGCCTGGTAGATGCTCAGTGTCTGCCTGGAACC[G>A]GGCAGGTAGACACCAGCCACGGAGCCCGTGCCATAGAGGTAGCACCAGGCGGACTCCGCC-3'
Protein context (NP_958786.1, residues 3688-3708): GTGSVAGVYL[Pro3698=]GSRQTLSIYQ